The following is an entry in ClinVar:

NM_000540.3(RYR1):c.2739A>G (p.Pro913=)

Gene: RYR1 (ryanodine receptor 1; plus strand). Cytogenetic location: 19q13.2.
Variant type: single nucleotide variant.
Coding change: c.2739A>G on transcript NM_000540.3 (MANE Select); coding-DNA position 2739, A replaced by G.
Protein change: p.Pro913=; no amino-acid change (proline 913 retained).
Molecular consequence: synonymous variant.
Genome position (GRCh38, 1-based): chr19:38,463,803, A>G. VCF-style: chr19-38463803-A-G. GRCh37 (hg19) VCF-style: chr19-38954443-A-G.
Other names: c.2739A>G, p.Pro913= (NM_001042723.2).
Identifiers: ClinVar variation 3387673 (VCV003387673.2).
Genomic context (GRCh38, chr19:38,463,803, plus strand): 5'-CCAGGTTCGGGATGACAACAAGAGGCTGCACCCGTGTCTTGTGGACTTCCACAGCCTTCC[A>G]GAGCCTGAGAGGAACTACAACCTGCAGATGTCTGGGGAGACGCTCAAGTGAGGGCCCAGG-3'
Protein context (NP_000531.2, residues 903-923): HPCLVDFHSL[Pro913=]EPERNYNLQM

ClinVar aggregate classification (germline): Likely benign. Review status: criteria provided, multiple submitters, no conflicts (2 of 4 stars). 2 submissions from 2 submitters: Likely benign (2). Last evaluated 2024-02-22.

Conditions:
Malignant hyperthermia, susceptibility to, 1 (MHS1). Also called: Anesthesia related hyperthermia; Malignant hyperpyrexia; Fulminating hyperpyrexia; Pharmacogenic myopathy; RYR1-Related Malignant Hyperthermia Susceptibility; Malignant hyperthermia suceptibility 1. Identifiers: Orphanet 423, MedGen C2930980, MONDO:0007783, OMIM 145600.

gnomAD v4.1: 1 of 1,614,102 alleles (0.000062%); highest among the groups gnomAD compares: Non-Finnish European, 0.000085%; no homozygotes.

Submissions (2):

All of Us Research Program, National Institutes of Health
Classification: Likely benign for Malignant hyperthermia, susceptibility to, 1. Last evaluated: 2024-02-22. Review status: criteria provided, single submitter. Criteria: ACMG Guidelines, 2015. Collection method: clinical testing. Allele origin: germline. Inheritance: Autosomal dominant inheritance. Observed: 1 variant allele, 1 heterozygote.
Comment: This study involves interpretation of variants in research participants for the purpose of population health screening. Participant phenotype was not available at the time of variant classification. Additional details can be found in publication PMID: 35346344, PMCID: PMC8962531

Color Diagnostics, LLC DBA Color Health
Classification: Likely benign for Malignant hyperthermia, susceptibility to, 1. Last evaluated: 2024-02-14. Review status: criteria provided, single submitter. Criteria: ACMG Guidelines, 2015. Collection method: clinical testing. Allele origin: germline.